The following is an entry in ClinVar:

NM_002439.5(MSH3):c.3072G>C (p.Gln1024His)

Gene: MSH3 (mutS homolog 3; plus strand). Cytogenetic location: 5q14.1.
Variant type: single nucleotide variant.
Coding change: c.3072G>C on transcript NM_002439.5 (MANE Select); coding-DNA position 3072, G replaced by C.
Protein change: p.Gln1024His; replaces glutamine 1024 with histidine.
Molecular consequence: missense variant.
Genome position (GRCh38, 1-based): chr5:80,864,884, G>C. VCF-style: chr5-80864884-G-C. GRCh37 (hg19) VCF-style: chr5-80160703-G-C.
Other names: short protein forms Q1024H.
Identifiers: ClinVar variation 665740 (VCV000665740.23), dbSNP rs147640909, ClinGen allele CA3328440.
Genomic context (GRCh38, chr5:80,864,884, plus strand): 5'-AACCCTGTTTGTCACCCATTATCCGCCAGTTTGTGAACTAGAAAAAAATTACTCACACCA[G>C]GTGGGGAATTACCACATGGGATTCTTGGTCAGTGAGGATGAAAGCAAACTGGATCCAGGT-3'
Protein context (NP_002430.3, residues 1014-1034): VCELEKNYSH[Gln1024His]VGNYHMGFLV

ClinVar aggregate classification (germline): Conflicting classifications of pathogenicity. Review status: criteria provided, conflicting classifications (1 of 4 stars). 8 submissions from 8 submitters: Uncertain significance (7); Likely benign (1). Last evaluated 2026-09-19.

Conditions:
Endometrial carcinoma. Also called: Endometrial carcinoma, somatic. Identifiers: MedGen C0476089, MONDO:0002447, OMIM 608089, HP:0012114.
MSH3-related disorder. Also called: MSH3-related condition.
Hereditary cancer-predisposing syndrome. Also called: Tumor predisposition; Hereditary neoplastic syndrome; Hereditary Cancer Syndrome; Neoplastic Syndromes, Hereditary. Identifiers: Orphanet 140162, MedGen C0027672, MeSH D009386, MONDO:0015356.

Allele frequency attached by ClinVar (database versions not stated): gnomAD 0.00012 and 0.00013; 1000 Genomes Project 30x 0.00031; 1000 Genomes Project 0.00040; ExAC 0.00005; gnomAD exomes 0.00006; ESP Exome Variant Server 0.00008; TOPMed 0.00011.
gnomAD v4.1: 62 of 1,613,260 alleles (0.0038%); highest among the groups gnomAD compares: African/African-American, 0.041%; no homozygotes.

Submissions (8):

PreventionGenetics, part of Exact Sciences
Classification: Uncertain significance for MSH3-related condition. Last evaluated: 2026-09-19. Review status: criteria provided, single submitter. Criteria: ACMG Guidelines, 2015. Collection method: clinical testing. Allele origin: germline.
Comment: The MSH3 c.3072G>C variant is predicted to result in the amino acid substitution p.Gln1024His. This variant has been reported in an individual with Lynch-like syndrome with a mismatch repair deficient tumor (Table 1, Case ID 85, Dámaso et al. 2020. PubMed ID: 32635641). This variant is reported in 0.040% of alleles in individuals of African descent in gnomAD. It is interpreted as uncertain significance and likely benign in ClinVar (Variation ID: 665740). At this time, the clinical significance of this variant is uncertain due to the absence of conclusive functional and genetic evidence.

GeneDx
Classification: Uncertain significance. Last evaluated: 2026-07-05. Review status: criteria provided, single submitter. Criteria: GeneDx Variant Classification Process June 2021. Collection method: clinical testing. Allele origin: germline.
Comment: Observed in an individual with gastric cancer (PMID: 32635641); In silico analysis suggests that this missense variant does not alter protein structure/function; This variant is associated with the following publications: (PMID: 32635641)

Labcorp Genetics (formerly Invitae), Labcorp
Classification: Uncertain significance. Last evaluated: 2026-01-26. Review status: criteria provided, single submitter. Criteria: Invitae Variant Classification Sherloc (09022015). Collection method: clinical testing. Allele origin: germline.
Comment: This sequence change replaces glutamine, which is neutral and polar, with histidine, which is basic and polar, at codon 1024 of the MSH3 protein (p.Gln1024His). This variant is present in population databases (rs147640909, gnomAD 0.03%). This variant has not been reported in the literature in individuals affected with MSH3-related conditions. ClinVar contains an entry for this variant (Variation ID: 665740). An algorithm developed to predict the effect of missense changes on protein structure and function outputs the following: PolyPhen-2: "Benign". The histidine amino acid residue is found in multiple mammalian species, which suggests that this missense change does not adversely affect protein function. In summary, the available evidence is currently insufficient to determine the role of this variant in disease. Therefore, it has been classified as a Variant of Uncertain Significance.

Quest Diagnostics Nichols Institute San Juan Capistrano
Classification: Uncertain significance. Last evaluated: 2025-06-06. Review status: criteria provided, single submitter. Criteria: Quest Diagnostics criteria. Collection method: clinical testing. Allele origin: unknown.
Comment: The MSH3 c.3072G>C (p.Gln1024His) variant has been reported in the published literature in an individual with Lynch-like syndrome (PMID: 32635641 (2020)). The frequency of this variant in the general population (Genome Aggregation Database) is uninformative in the assessment of its pathogenicity. Analysis of this variant using bioinformatics tools for the prediction of the effect of amino acid changes on protein structure and function yielded predictions that this variant is benign. Based on the available information, we are unable to determine the clinical significance of this variant.

Center for Genomic Medicine, Rigshospitalet, Copenhagen University Hospital
Classification: Uncertain significance. Last evaluated: 2025-03-04. Review status: criteria provided, single submitter. Criteria: ACMG Guidelines, 2015. Collection method: clinical testing. Allele origin: germline.

Ambry Genetics
Classification: Likely benign for Hereditary cancer-predisposing syndrome. Last evaluated: 2024-07-19. Review status: criteria provided, single submitter. Criteria: Ambry Variant Classification Scheme 2023. Collection method: clinical testing. Allele origin: germline.

Baylor Genetics
Classification: Uncertain significance for Endometrial carcinoma. Last evaluated: 2024-01-01. Review status: criteria provided, single submitter. Criteria: ACMG Guidelines, 2015. Collection method: clinical testing. Allele origin: unknown.

Sema4
Classification: Uncertain significance for Hereditary cancer-predisposing syndrome. Last evaluated: 2022-02-03. Review status: criteria provided, single submitter. Criteria: Sema4 Curation Guidelines. Collection method: curation. Allele origin: germline.
Comment: The MSH3 c.3072G>C (p.Q1024H) variant has been reported in heterozygosity in one individual with Lynch-like syndrome (PMID: 2635641). It was observed in 10/24968 chromosomes of the African/African American subpopulation, with no homozygotes, in the large and broad cohorts of the Genome Aggregation Database (PMID: 32461654). This variant has been reported in ClinVar (Variation ID: 665740). Functional studies have not been performed, and in silico predictions of the variant's effect on protein function are inconclusive. The evidence is insufficient to meet ACMG/AMP criteria for classifying the variant as benign or pathogenic. Thus, the clinical significance of this variant is currently uncertain.

Literature cited by the submitters: PubMed 32635641 (cited by Quest Diagnostics Nichols Institute San Juan Capistrano and Ambry Genetics); PubMed 2635641 (cited by Sema4).